The following is an entry in ClinVar:

ClinVar aggregate classification (germline): Conflicting classifications of pathogenicity. Review status: criteria provided, conflicting classifications (1 of 4 stars). 3 submissions from 3 submitters: Uncertain significance (2); Likely benign (1). Last evaluated 2025-05-23.

Conditions:
Long QT syndrome (LQTS). Identifiers: MedGen C0023976, MeSH D008133, MONDO:0002442. Disease mechanism: loss of function. Inheritance: Various modes of inheritance.
Cardiovascular phenotype. Identifiers: MedGen CN230736.

Submissions (3):

GeneDx
Classification: Uncertain significance. Last evaluated: 2025-05-23. Review status: criteria provided, single submitter. Criteria: GeneDx Variant Classification Process June 2021. Collection method: clinical testing. Allele origin: germline.
Comment: Has not been previously published as pathogenic or benign to our knowledge; In-frame deletion of 24 amino acid(s) in a non-repeat region; Not observed at significant frequency in large population cohorts (gnomAD); In silico analysis supports a deleterious effect on protein structure/function

Labcorp Genetics (formerly Invitae), Labcorp
Classification: Likely benign for Long QT syndrome. Last evaluated: 2024-03-11. Review status: criteria provided, single submitter. Criteria: Invitae Variant Classification Sherloc (09022015). Collection method: clinical testing. Allele origin: germline.

Ambry Genetics
Classification: Uncertain significance for Cardiovascular phenotype. Last evaluated: 2023-11-22. Review status: criteria provided, single submitter. Criteria: Ambry Variant Classification Scheme 2023. Collection method: clinical testing. Allele origin: germline.
Comment: The c.5571_5642del72 (p.A1861_S1884del) alteration is located in exon 38 (coding exon 38) of the ANK2 gene. This alteration consists of an in-frame deletion of 72 nucleotides between nucleotide positions c.5571 and c.5642, resulting in the deletion of <NA> residues. Based on insufficient or conflicting evidence, the clinical significance of this alteration remains unclear.

NM_001148.6(ANK2):c.5571_5642del (p.Ala1861_Ser1884del)

Genes: ANK2 (ankyrin 2; plus strand), LOC126807136 (MED14-independent group 3 enhancer GRCh37_chr4:114274931-114276130; plus strand). Cytogenetic location: 4q26.
Variant type: Deletion.
Coding change: c.5571_5642del on transcript NM_001148.6 (MANE Select); coding-DNA positions 5571 to 5642, 72 bases deleted.
Protein change: p.Ala1861_Ser1884del.
Molecular consequence: inframe deletion. On other transcripts: intron variant (68).
Genome position (GRCh38, 1-based): chr4:113,354,189-113,354,260, 72 bases deleted. GRCh37 (hg19): chr4:114,275,345-114,275,416.
Other names: c.4327+3940_4327+4011del (NM_001354258.2, NM_001354228.2); c.4264+3940_4264+4011del (NM_001354245.2, NM_001354262.2, NM_001354275.2); c.4228+3940_4228+4011del (NM_001354268.2); c.4126+3940_4126+4011del (NM_001354273.2); c.4426+3940_4426+4011del (NM_020977.5); c.4483+3940_4483+4011del (NM_001386152.1); c.4504+3940_4504+4011del (NM_001354237.2); c.4405+3940_4405+4011del (NM_001354230.2); and 37 more.
Identifiers: ClinVar variation 1019570 (VCV001019570.9), dbSNP rs2095591008, ClinGen allele CA3051250.